The following is an entry in ClinVar:

ClinVar aggregate classification (germline): Uncertain significance (1 of 4 stars; one submission).

gnomAD v4.1: 6 of 1,613,898 alleles (0.00037%); highest among the groups gnomAD compares: Non-Finnish European, 0.00051%; no homozygotes.

Submission:

GeneDx
Classification: Uncertain significance. Last evaluated: 2024-08-28. Review status: criteria provided, single submitter. Criteria: GeneDx Variant Classification Process June 2021. Collection method: clinical testing. Allele origin: germline. Affected: yes.
Comment: Not observed at significant frequency in large population cohorts (gnomAD); In silico analysis supports that this missense variant has a deleterious effect on protein structure/function; Has not been previously published as pathogenic or benign to our knowledge

NM_000827.4(GRIA1):c.1609T>G (p.Tyr537Asp)

Gene: GRIA1 (glutamate ionotropic receptor AMPA type subunit 1; plus strand). Cytogenetic location: 5q33.2.
Variant type: single nucleotide variant.
Coding change: c.1609T>G on transcript NM_000827.4 (MANE Select); coding-DNA position 1609, T replaced by G.
Protein change: p.Tyr537Asp; replaces tyrosine 537 with aspartic acid.
Molecular consequence: missense variant. On other transcripts: non-coding transcript variant (2).
Genome position (GRCh38, 1-based): chr5:153,705,853, T>G. VCF-style: chr5-153705853-T-G. GRCh37 (hg19) VCF-style: chr5-153085413-T-G.
Other names: c.1609T>G, p.Tyr537Asp (NM_001114183.2); c.1369T>G, p.Tyr457Asp (NM_001258019.2); c.1324T>G, p.Tyr442Asp (NM_001258020.2); c.1639T>G, p.Tyr547Asp (NM_001258021.2, NM_001258022.2); c.1402T>G, p.Tyr468Asp (NM_001258023.1, NM_001364167.2); c.1441T>G, p.Tyr481Asp (NM_001364165.2); c.1636T>G, p.Tyr546Asp (NM_001364166.2); short protein forms Y442D, Y457D, Y468D, Y481D, Y537D, Y546D, Y547D.
Identifiers: ClinVar variation 3765941 (VCV003765941.1).